The following is an entry in ClinVar:

ClinVar aggregate classification (germline): Conflicting classifications of pathogenicity. Review status: criteria provided, conflicting classifications (1 of 4 stars). 5 submissions from 5 submitters: Uncertain significance (1); Benign (1); Likely benign (1). 2 of the submissions do not count toward it. Last evaluated 2026-02-04.

Conditions:
CIITA-related disorder. Also called: CIITA-related condition.
MHC class II deficiency. Also called: Bare lymphocyte syndrome 2; BLS, TYPE II. Identifiers: Orphanet 572, MedGen C5447452, MONDO:0008855.

Allele frequency attached by ClinVar (database versions not stated): TOPMed 0.00030; gnomAD 0.00033 and 0.00034; gnomAD exomes 0.00046 and 0.00056; ESP Exome Variant Server 0.00054; ExAC 0.00055.
gnomAD v4.1: 708 of 1,613,092 alleles (0.044%); highest among the groups gnomAD compares: South Asian, 0.15%; 2 homozygotes.

Submissions (5):

Labcorp Genetics (formerly Invitae), Labcorp
Classification: Benign for MHC class II deficiency. Last evaluated: 2026-02-04. Review status: criteria provided, single submitter. Criteria: Invitae Variant Classification Sherloc (09022015). Collection method: clinical testing. Allele origin: germline.

Blueprint Genetics
Classification: Likely benign. Last evaluated: 2024-09-12. Review status: criteria provided, single submitter. Criteria: ACMG Guidelines, 2015. Collection method: clinical testing. Allele origin: germline.

Illumina Laboratory Services, Illumina
Classification: Uncertain significance for MHC class II deficiency 1. Last evaluated: 2018-01-12. Review status: criteria provided, single submitter. Criteria: ICSL Variant Classification Criteria 13 December 2019. Collection method: clinical testing. Allele origin: germline.

Natera, Inc.
Classification: Benign for Bare lymphocyte syndrome type II. Last evaluated: 2020-04-24. Review status: no assertion criteria provided. Collection method: clinical testing. Allele origin: germline. Not counted in ClinVar's aggregate classification.

PreventionGenetics, part of Exact Sciences
Classification: Likely benign for CIITA-related condition. Last evaluated: 2020-04-21. Review status: no assertion criteria provided. Collection method: clinical testing. Allele origin: germline. Not counted in ClinVar's aggregate classification.
Comment: This variant is classified as likely benign based on ACMG/AMP sequence variant interpretation guidelines (Richards et al. 2015 PMID: 25741868, with internal and published modifications).

NM_000246.4(CIITA):c.1926C>T (p.Val642=)

Gene: CIITA (class II major histocompatibility complex transactivator; plus strand). Cytogenetic location: 16p13.13.
Variant type: single nucleotide variant.
Coding change: c.1926C>T on transcript NM_000246.4 (MANE Select); coding-DNA position 1926, C replaced by T.
Protein change: p.Val642=; no amino-acid change (valine 642 retained).
Molecular consequence: synonymous variant. On other transcripts: intron variant (1).
Genome position (GRCh38, 1-based): chr16:10,907,418, C>T. VCF-style: chr16-10907418-C-T. GRCh37 (hg19) VCF-style: chr16-11001275-C-T.
Other names: c.1929C>T, p.Val643= (NM_001286402.1, NM_001379332.1); c.1782C>T, p.Val594= (NM_001379330.1); c.1779C>T, p.Val593= (NM_001379331.1); c.1926C>T, p.Val642= (NM_001379333.1); c.1857C>T, p.Val619= (NM_001379334.1); c.860-1565C>T (NM_001286403.2).
Identifiers: ClinVar variation 317699 (VCV000317699.20), dbSNP rs138376967, ClinGen allele CA7900247.